The following is an entry in ClinVar:

ClinVar aggregate classification (germline): Uncertain significance (1 of 4 stars; one submission).

Conditions:
Nemaline myopathy 6 (NEM6). Also called: Nemaline myopathy 6, autosomal dominant. Identifiers: Orphanet 171439, MedGen C1836472, MONDO:0012237, OMIM 609273.

Allele frequency attached by ClinVar (database versions not stated): TOPMed 0.00001.

Submission:

Labcorp Genetics (formerly Invitae), Labcorp
Classification: Uncertain significance for Nemaline myopathy 6. Last evaluated: 2023-09-15. Review status: criteria provided, single submitter. Criteria: Invitae Variant Classification Sherloc (09022015). Collection method: clinical testing. Allele origin: germline.
Comment: In summary, the available evidence is currently insufficient to determine the role of this variant in disease. Therefore, it has been classified as a Variant of Uncertain Significance. An algorithm developed to predict the effect of missense changes on protein structure and function (PolyPhen-2) suggests that this variant is likely to be disruptive. This variant has not been reported in the literature in individuals affected with KBTBD13-related conditions. This variant is not present in population databases (gnomAD no frequency). This sequence change replaces arginine, which is basic and polar, with histidine, which is basic and polar, at codon 399 of the KBTBD13 protein (p.Arg399His).

NM_001101362.3(KBTBD13):c.1196G>A (p.Arg399His)

Gene: KBTBD13 (kelch repeat and BTB domain containing 13; plus strand). Cytogenetic location: 15q22.31.
Variant type: single nucleotide variant.
Coding change: c.1196G>A on transcript NM_001101362.3 (MANE Select); coding-DNA position 1196, G replaced by A.
Protein change: p.Arg399His; replaces arginine 399 with histidine.
Molecular consequence: missense variant.
Genome position (GRCh38, 1-based): chr15:65,078,011, G>A. VCF-style: chr15-65078011-G-A. GRCh37 (hg19) VCF-style: chr15-65370349-G-A.
Other names: short protein forms R399H.
Identifiers: ClinVar variation 2908144 (VCV002908144.3), dbSNP rs1223195296, ClinGen allele CA392865845.